The following is an entry in ClinVar:

ClinVar aggregate classification (germline): Benign/Likely benign. Review status: criteria provided, multiple submitters, no conflicts (2 of 4 stars). 9 submissions from 8 submitters: Benign (7); Likely benign (2). Last evaluated 2026-10-01.

Conditions:
Hemorrhage, intracerebral, susceptibility to (ICH). Also called: Stroke, hemorrhagic, susceptibility to. Identifiers: MedGen C3281105, MONDO:0100533, OMIM 614519.
Brain small vessel disease 1 with or without ocular anomalies (BSVD1). Also called: Brain small vessel disease with or without ocular anomalies; BRAIN SMALL VESSEL DISEASE WITH HEMORRHAGE; GOULD SYNDROME 1; PORENCEPHALY, TYPE 1, AUTOSOMAL DOMINANT. Identifiers: Orphanet 2940, Orphanet 36383, Orphanet 99810, MedGen C4755307, MONDO:0008289, OMIM 175780.
Autosomal dominant familial hematuria-retinal arteriolar tortuosity-contractures syndrome. Also called: Hereditary Angiopathy with Nephropathy, Aneurysms, and Muscle Cramps (HANAC) Syndrome; Angiopathy, hereditary, with nephropathy, aneurysms, and muscle cramps. Identifiers: Orphanet 73229, MedGen C2673195, MONDO:0012726, OMIM 611773.

Allele frequency attached by ClinVar (database versions not stated): ExAC 0.00547; 1000 Genomes Project 0.00559; gnomAD exomes 0.00578 and 0.00737; ESP Exome Variant Server 0.00623; 1000 Genomes Project 30x 0.00640; gnomAD 0.00663 and 0.00671; TOPMed 0.00760.
gnomAD v4.1: 11,800 of 1,613,940 alleles (0.73%); highest among the groups gnomAD compares: Middle Eastern, 1.5%; 51 homozygotes.

Submissions (9):

CeGaT Center for Human Genetics Tuebingen
Classification: Benign. Last evaluated: 2026-10-01. Review status: criteria provided, single submitter. Criteria: CeGaT Center For Human Genetics Tuebingen Variant Classification Criteria Version 2. Collection method: clinical testing. Allele origin: germline. Affected: yes. Observed: 75 variant alleles.
Comment: COL4A1: BP4, BS1, BS2

Labcorp Genetics (formerly Invitae), Labcorp
Classification: Benign. Last evaluated: 2026-01-26. Review status: criteria provided, single submitter. Criteria: Invitae Variant Classification Sherloc (09022015). Collection method: clinical testing. Allele origin: germline.

ARUP Laboratories, Molecular Genetics and Genomics, ARUP Laboratories
Classification: Benign. Last evaluated: 2024-11-01. Review status: criteria provided, single submitter. Criteria: ARUP Molecular Germline Variant Investigation Process 2024. Collection method: clinical testing. Allele origin: germline.

Athena Diagnostics
Classification: Benign. Last evaluated: 2024-07-05. Review status: criteria provided, single submitter. Criteria: Athena Diagnostics Criteria. Collection method: clinical testing. Allele origin: unknown.

Mayo Clinic Laboratories, Mayo Clinic
Classification: Benign. Last evaluated: 2024-04-09. Review status: criteria provided, single submitter. Criteria: ACMG Guidelines, 2015. Collection method: clinical testing. Allele origin: germline. Observed: 19 variant alleles.
Comment: BA1, BS2, BP4, BP7

Genetics and Molecular Pathology, SA Pathology
Classification: Likely benign for Hemorrhage, intracerebral, susceptibility to. Last evaluated: 2019-12-27. Review status: criteria provided, single submitter. Criteria: ACMG Guidelines, 2015. Collection method: clinical testing. Allele origin: germline. Inheritance: Autosomal dominant inheritance. Affected: yes.
Comment: The COL4A1 c.4640+8G>A variant is classified as Likely Benign (BS1, BP6)

Illumina Laboratory Services, Illumina
Classification: Benign for Brain small vessel disease 1 with or without ocular anomalies. Last evaluated: 2018-01-13. Review status: criteria provided, single submitter. Criteria: ICSL Variant Classification Criteria 13 December 2019. Collection method: clinical testing. Allele origin: germline.
Comment: This variant was observed in the ICSL laboratory as part of a predisposition screen in an ostensibly healthy population. It had not been previously curated by ICSL or reported in the Human Gene Mutation Database (HGMD: prior to June 1st, 2018), and was therefore a candidate for classification through an automated scoring system. Utilizing variant allele frequency, disease prevalence and penetrance estimates, and inheritance mode, an automated score was calculated to assess if this variant is too frequent to cause the disease. Based on the score and internal cut-off values, a variant classified as benign is not then subjected to further curation. The score for this variant resulted in a classification of benign for this disease.

Illumina Laboratory Services, Illumina
Classification: Benign for Autosomal dominant familial hematuria-retinal arteriolar tortuosity-contractures syndrome. Last evaluated: 2018-01-13. Review status: criteria provided, single submitter. Criteria: ICSL Variant Classification Criteria 13 December 2019. Collection method: clinical testing. Allele origin: germline.
Comment: the same text as in the submission from Illumina Laboratory Services, Illumina above.

Breakthrough Genomics
Classification: Likely benign. Review status: criteria provided, single submitter. Criteria: ACMG Guidelines, 2015. Collection method: not provided. Allele origin: germline. Inheritance: Autosomal dominant inheritance. Affected: yes.

Literature cited by the submitters: PubMed 21527998 (cited by Athena Diagnostics).

NM_001845.6(COL4A1):c.4640+8G>A

Gene: COL4A1 (collagen type IV alpha 1 chain; minus strand). Cytogenetic location: 13q34.
Variant type: single nucleotide variant.
Coding change: c.4640+8G>A on transcript NM_001845.6 (MANE Select); 8 bases into the intron after coding-DNA position 4640, G replaced by A.
Molecular consequence: intron variant.
Genome position (GRCh38, 1-based): chr13:110,161,184, C>T on the plus strand (G>A on the coding strand, the complement: COL4A1 is on the minus strand). VCF-style: chr13-110161184-C-T. GRCh37 (hg19) VCF-style: chr13-110813531-C-T.
Other names: p.?.
Identifiers: ClinVar variation 311021 (VCV000311021.51), dbSNP rs117566874, ClinGen allele CA7046880.